The following is an entry in ClinVar:

NM_005751.5(AKAP9):c.1295A>C (p.Gln432Pro)

Gene: AKAP9 (A-kinase anchoring protein 9; plus strand). Cytogenetic location: 7q21.2.
Variant type: single nucleotide variant.
Coding change: c.1295A>C on transcript NM_005751.5 (MANE Select); coding-DNA position 1295, A replaced by C.
Protein change: p.Gln432Pro; replaces glutamine 432 with proline.
Molecular consequence: missense variant.
Genome position (GRCh38, 1-based): chr7:92,001,212, A>C. VCF-style: chr7-92001212-A-C. GRCh37 (hg19) VCF-style: chr7-91630526-A-C.
Other names: c.1295A>C, p.Gln432Pro (NM_147185.3); short protein forms Q432P.
Identifiers: ClinVar variation 2702954 (VCV002702954.3), dbSNP rs1799134079, ClinGen allele CA368121457.

ClinVar aggregate classification (germline): Uncertain significance (1 of 4 stars; one submission).

Conditions:
Long QT syndrome (LQTS). Identifiers: MedGen C0023976, MeSH D008133, MONDO:0002442. Disease mechanism: loss of function. Inheritance: Various modes of inheritance.

Submission:

Labcorp Genetics (formerly Invitae), Labcorp
Classification: Uncertain significance for Long QT syndrome. Last evaluated: 2023-12-13. Review status: criteria provided, single submitter. Criteria: Invitae Variant Classification Sherloc (09022015). Collection method: clinical testing. Allele origin: germline.
Comment: This sequence change replaces glutamine, which is neutral and polar, with proline, which is neutral and non-polar, at codon 432 of the AKAP9 protein (p.Gln432Pro). This variant is not present in population databases (gnomAD no frequency). This variant has not been reported in the literature in individuals affected with AKAP9-related conditions. An algorithm developed to predict the effect of missense changes on protein structure and function (PolyPhen-2) suggests that this variant is likely to be disruptive. In summary, the available evidence is currently insufficient to determine the role of this variant in disease. Therefore, it has been classified as a Variant of Uncertain Significance.